The following is an entry in ClinVar:

ClinVar aggregate classification (germline): Pathogenic/Likely pathogenic. Review status: criteria provided, multiple submitters, no conflicts (2 of 4 stars). 6 submissions from 6 submitters: Pathogenic (3); Likely pathogenic (2). 1 of the submissions does not count toward it. Last evaluated 2026-10-26.

Conditions:
Marfan syndrome (MFS). Also called: Marfan syndrome type 1; Marfan's syndrome; Marfan syndrome, classic; FBN1-Related Marfan Syndrome; MARFAN SYNDROME, TYPE I. Identifiers: Orphanet 284963, Orphanet 558, MedGen C0024796, MONDO:0007947, OMIM 154700.
Familial thoracic aortic aneurysm and aortic dissection (TAAD). Also called: Thoracic aortic aneurysms and dissections. Identifiers: Orphanet 91387, MedGen C4707243, MONDO:0019625.

Submissions (6):

GeneDx
Classification: Pathogenic. Last evaluated: 2026-10-26. Review status: criteria provided, single submitter. Criteria: GeneDx Variant Classification Process June 2021. Collection method: clinical testing. Allele origin: germline.
Comment: Not observed at significant frequency in large population cohorts (gnomAD); In silico analysis supports that this missense variant has a deleterious effect on protein structure/function; Affects a cysteine residue within an EGF-like domain of the FBN1 gene, which may affect disulfide bonding and is predicted to alter the structure and function of the protein; cysteine substitutions in the EGF-like domains represent the majority of pathogenic missense changes associated with FBN1-related disorders (PMID: 12938084); This variant is associated with the following publications: (PMID: 12938084, 36889877, 10425041)

KardioGenetik, Herz- und Diabeteszentrum NRW
Classification: Likely pathogenic for Marfan syndrome. Last evaluated: 2026-07-14. Review status: criteria provided, single submitter. Criteria: ACMG Guidelines, 2015. Collection method: clinical testing. Allele origin: unknown. Affected: yes. Observed: 1 variant allele.
Comment: The pathogenicity of this variant is supported by (1) its absence from population reference cohorts in the gnomAD database, (2) its previous report in a patient with a confirmed diagnosis of Marfan syndrome (El-Aleem et al.), (3) its localization within one of the calcium-binding epidermal growth factor-like (cbEGF) domains of fibrillin-1, in accordance with the ClinGen FBN1 gene-specific criteria (Drackley et al.), and (4) the classification of the Cys2142Tyr amino acid substitution as clearly deleterious by the bioinformatic meta-prediction tool REVEL. No functional studies investigating this variant have been reported. (PS4_supporting, PM1_strong, PM2_supporting, PP2, PP3, PP4)

Labcorp Genetics (formerly Invitae), Labcorp
Classification: Pathogenic for Marfan syndrome; Familial thoracic aortic aneurysm and aortic dissection. Last evaluated: 2024-01-02. Review status: criteria provided, single submitter. Criteria: Invitae Variant Classification Sherloc (09022015). Collection method: clinical testing. Allele origin: germline.
Comment: This sequence change replaces cysteine, which is neutral and slightly polar, with tyrosine, which is neutral and polar, at codon 2142 of the FBN1 protein (p.Cys2142Tyr). This variant is not present in population databases (gnomAD no frequency). This missense change has been observed in individuals with clinical features of Marfan syndrome (PMID: 10425041; Invitae). ClinVar contains an entry for this variant (Variation ID: 200192). Advanced modeling of protein sequence and biophysical properties (such as structural, functional, and spatial information, amino acid conservation, physicochemical variation, residue mobility, and thermodynamic stability) performed at Invitae indicates that this missense variant is expected to disrupt FBN1 protein function with a positive predictive value of 95%. This variant affects a cysteine residue in the EGF-like, TGFBP or hybrid motif domains of FBN1. Cysteine residues are believed to be involved in intramolecular disulfide bridges and have been shown to be important for FBN1 protein structure (PMID: 16905551, 19349279). In addition, missense substitutions affecting cysteine residues within these domains are significantly overrepresented among patients with Marfan syndrome (PMID: 16571647, 17701892). For these reasons, this variant has been classified as Pathogenic.

Victorian Clinical Genetics Services, Murdoch Childrens Research Institute
Classification: Pathogenic for Marfan syndrome. Last evaluated: 2022-02-02. Review status: criteria provided, single submitter. Criteria: ACMG Guidelines, 2015. Collection method: clinical testing. Allele origin: germline. Inheritance: Autosomal dominant inheritance.
Comment: Based on the classification scheme VCGS_Germline_v1.3.4, this variant is classified as Pathogenic. Following criteria are met: 0103 - Dominant negative and loss of function are known mechanisms of disease in this gene and are associated with FBN1-related disease. Variants predicted to result in nonsense mediated decay cause loss of function effects, and are more commonly associated with severe Marfan syndrome (MIM#154700). Missense variants with both dominant negative and loss of function effects on protein function, are also associated with causing Marfan syndrome and ectopia lentis (MIM#129600) (OMIM, PMID: 29357934). The exact genotype-phenotype correlation for this gene is still unclear, and is compounded by variable expressivity (PMID: 20301510). (I) 0107 - This gene is associated with autosomal dominant disease. This gene is predominantly associated with autosomal dominant disease, however some individuals have been reported with an autosomal recessive form of Marfan syndrome (OMIM). (I) 0115 - Variants in this gene are known to have variable expressivity. The genotype-phenotype correlations for this gene are unclear, with single variants reported in patients with a range of phenotypes (PMID: 20301510, OMIM). (I) 0200 - Variant is predicted to result in a missense amino acid change from cysteine to tyrosine. (I) 0251 - This variant is heterozygous. (I) 0301 - Variant is absent from gnomAD (both v2 and v3). (SP) 0501 - Missense variant consistently predicted to be damaging by multiple in silico tools or highly conserved with a major amino acid change. (SP) 0600 - Variant is located in the annotated calcium-binding EGF domain (NCBI). (I) 0703 - Other missense variants comparable to the one identified in this case have moderate previous evidence for pathogenicity. Two different variants in the same codon resulting in changes to a serine and an arginine have been reported as likely pathogenic (ClinVar) and in an individual with Marfan syndrome (PMID: 30087447) respectively. (SP) 0802 - This variant has moderate previous evidence of pathogenicity in unrelated individuals. This variant has been reported twice as pathogenic and once as likely pathogenic in ClinVar. This variant has also been reported in an individual with classic Marfan syndrome (PMID: 10425041). (SP) 0905 - No published segregation evidence has been identified for this variant. (I) 1007 - No published functional evidence has been identified for this variant. (SP) Legend: (SP) - Supporting pathogenic, (I) - Information, (SB) - Supporting benign

Ambry Genetics
Classification: Likely pathogenic for Familial thoracic aortic aneurysm and aortic dissection. Last evaluated: 2018-04-09. Review status: criteria provided, single submitter. Criteria: Ambry Variant Classification Scheme 2023. Collection method: clinical testing. Allele origin: germline.
Comment: The p.C2142Y variant (also known as c.6425G>A), located in coding exon 52 of the FBN1 gene, results from a G to A substitution at nucleotide position 6425. The cysteine at codon 2142 is replaced by tyrosine, an amino acid with highly dissimilar properties. This alteration has been reported in an individual with classical Marfan syndrome (El-Aleem AA et al. Hum. Mutat., 1999 Aug;14:181). The majority of FBN1 mutations identified to date have involved the substitution or generation of cysteine residues within cbEGF domains (Vollbrandt T et al. J Biol Chem. 2004;279(31):32924-32931). Based on internal structural assessment, this alteration eliminates a structurally critical disulfide in the structurally sensitive cb EGF-like domain 32. This amino acid position is highly conserved in available vertebrate species. In addition, this alteration is predicted to be deleterious by in silico analysis. Based on the majority of available evidence to date, this variant is likely to be pathogenic.

Center for Medical Genetics Ghent, University of Ghent
Classification: Likely pathogenic for Marfan syndrome. Last evaluated: 2017-11-07. Review status: no assertion criteria provided. Collection method: clinical testing. Allele origin: germline. Affected: yes. Not counted in ClinVar's aggregate classification.

Literature cited by the submitters: PubMed 10425041 (cited by 3 submitters); PubMed 16905551 (cited by Labcorp Genetics (formerly Invitae), Labcorp); PubMed 19349279 (cited by Labcorp Genetics (formerly Invitae), Labcorp); PubMed 16571647 (cited by Labcorp Genetics (formerly Invitae), Labcorp); PubMed 17701892 (cited by Labcorp Genetics (formerly Invitae), Labcorp); NCBI Bookshelf NBK1335 (cited by Victorian Clinical Genetics Services, Murdoch Childrens Research Institute); PubMed 20301510 (cited by Victorian Clinical Genetics Services, Murdoch Childrens Research Institute); PubMed 29357934 (cited by Victorian Clinical Genetics Services, Murdoch Childrens Research Institute); PubMed 30087447 (cited by Victorian Clinical Genetics Services, Murdoch Childrens Research Institute).

NM_000138.5(FBN1):c.6425G>A (p.Cys2142Tyr)

Gene: FBN1 (fibrillin 1; minus strand). Cytogenetic location: 15q21.1.
Variant type: single nucleotide variant.
Coding change: c.6425G>A on transcript NM_000138.5 (MANE Select); coding-DNA position 6425, G replaced by A.
Protein change: p.Cys2142Tyr; replaces cysteine 2142 with tyrosine.
Molecular consequence: missense variant.
Genome position (GRCh38, 1-based): chr15:48,437,032, C>T on the plus strand (G>A on the coding strand, the complement: FBN1 is on the minus strand). VCF-style: chr15-48437032-C-T. GRCh37 (hg19) VCF-style: chr15-48729229-C-T.
Other names: p.C2142Y:TGC>TAC; short protein forms C2142Y.
Identifiers: ClinVar variation 200192 (VCV000200192.21), dbSNP rs794728335, ClinGen allele CA016442.